The following is an entry in ClinVar:

ClinVar aggregate classification (germline): Uncertain significance. Review status: criteria provided, multiple submitters, no conflicts (2 of 4 stars). 3 submissions from 3 submitters: Uncertain significance (3). Last evaluated 2025-11-24.

Conditions:
Hereditary nonpolyposis colorectal neoplasms. Identifiers: MedGen C0009405, MeSH D003123.
Hereditary cancer-predisposing syndrome. Also called: Neoplastic Syndromes, Hereditary; Tumor predisposition; Hereditary neoplastic syndrome; Hereditary Cancer Syndrome. Identifiers: Orphanet 140162, MedGen C0027672, MeSH D009386, MONDO:0015356.

Submissions (3):

Ambry Genetics
Classification: Uncertain significance for Hereditary cancer-predisposing syndrome. Last evaluated: 2025-11-24. Review status: criteria provided, single submitter. Criteria: Ambry Variant Classification Scheme 2023. Collection method: clinical testing. Allele origin: germline.
Comment: The p.P673S variant (also known as c.2017C>T), located in coding exon 4 of the MSH6 gene, results from a C to T substitution at nucleotide position 2017. The proline at codon 673 is replaced by serine, an amino acid with similar properties. This amino acid position is highly conserved in available vertebrate species. In addition, this alteration is predicted to be deleterious by in silico analysis. In addition, the CoDP in silico tool predicts this alteration to have a moderate impact on molecular function, with a score of 0.605 (Terui H et al. J. Biomed. Sci. 2013 Apr;20:25). Since supporting evidence is limited at this time, the clinical significance of this alteration remains unclear.

Labcorp Genetics (formerly Invitae), Labcorp
Classification: Uncertain significance for Hereditary nonpolyposis colorectal neoplasms. Last evaluated: 2018-12-27. Review status: criteria provided, single submitter. Criteria: Invitae Variant Classification Sherloc (09022015). Collection method: clinical testing. Allele origin: germline.
Comment: In summary, the available evidence is currently insufficient to determine the role of this variant in disease. Therefore, it has been classified as a Variant of Uncertain Significance. Algorithms developed to predict the effect of missense changes on protein structure and function are either unavailable or do not agree on the potential impact of this missense change (SIFT: "Tolerated"; PolyPhen-2: "Probably Damaging"; Align-GVGD: "Class C25"). This variant has not been reported in the literature in individuals with MSH6-related conditions. This variant is not present in population databases (ExAC no frequency). This sequence change replaces proline with serine at codon 673 of the MSH6 protein (p.Pro673Ser). The proline residue is moderately conserved and there is a moderate physicochemical difference between proline and serine.

Color Diagnostics, LLC DBA Color Health
Classification: Uncertain significance for Hereditary cancer-predisposing syndrome. Last evaluated: 2018-12-13. Review status: criteria provided, single submitter. Criteria: ACMG Guidelines, 2015. Collection method: clinical testing. Allele origin: germline.

NM_000179.3(MSH6):c.2017C>T (p.Pro673Ser)

Gene: MSH6 (mutS homolog 6; plus strand). Cytogenetic location: 2p16.3.
Variant type: single nucleotide variant.
Coding change: c.2017C>T on transcript NM_000179.3 (MANE Select); coding-DNA position 2017, C replaced by T.
Protein change: p.Pro673Ser; replaces proline 673 with serine.
Molecular consequence: missense variant.
Genome position (GRCh38, 1-based): chr2:47,800,000, C>T. VCF-style: chr2-47800000-C-T. GRCh37 (hg19) VCF-style: chr2-48027139-C-T.
Other names: c.1627C>T, p.Pro543Ser (NM_001281492.2); c.1111C>T, p.Pro371Ser (NM_001281493.2, NM_001281494.2); short protein forms P673S, P371S, P543S.
Identifiers: ClinVar variation 628500 (VCV000628500.15), dbSNP rs377356882, ClinGen allele CA346750696.
Genomic context (GRCh38, chr2:47,800,000, plus strand): 5'-GTGATGTTACCCCAGGTGCTTAAAGGTATGACTTCAGAGTCTGATTCCATTGGGTTGACA[C>T]CAGGAGAGAAAAGTGAATTGGCCCTCTCTGCTCTAGGTGGTTGTGTCTTCTACCTCAAAA-3'
Protein context (NP_000170.1, residues 663-683): TSESDSIGLT[Pro673Ser]GEKSELALSA